The following is an entry in ClinVar:

ClinVar aggregate classification (germline): Uncertain significance (1 of 4 stars; one submission).

Conditions:
Hereditary diffuse gastric adenocarcinoma (HDGC). Also called: DIFFUSE GASTRIC AND LOBULAR BREAST CANCER SYNDROME. Identifiers: Orphanet 26106, MedGen C1708349, MONDO:0007648, OMIM 137215.

Submission:

Labcorp Genetics (formerly Invitae), Labcorp
Classification: Uncertain significance for Hereditary diffuse gastric adenocarcinoma. Last evaluated: 2019-03-18. Review status: criteria provided, single submitter. Criteria: Invitae Variant Classification Sherloc (09022015). Collection method: clinical testing. Allele origin: germline.
Comment: Algorithms developed to predict the effect of missense changes on protein structure and function are either unavailable or do not agree on the potential impact of this missense change (SIFT: "Tolerated"; PolyPhen-2: "Probably Damaging"; Align-GVGD: "Class C0"). This variant has not been reported in the literature in individuals with CDH1-related conditions. This variant is not present in population databases (ExAC no frequency). This sequence change replaces arginine with serine at codon 733 of the CDH1 protein (p.Arg733Ser). The arginine residue is highly conserved and there is a moderate physicochemical difference between arginine and serine. In summary, the available evidence is currently insufficient to determine the role of this variant in disease. Therefore, it has been classified as a Variant of Uncertain Significance.

NM_004360.5(CDH1):c.2199G>T (p.Arg733Ser)

Gene: CDH1 (cadherin 1; plus strand). Cytogenetic location: 16q22.1.
Variant type: single nucleotide variant.
Coding change: c.2199G>T on transcript NM_004360.5 (MANE Select); coding-DNA position 2199, G replaced by T.
Protein change: p.Arg733Ser; replaces arginine 733 with serine.
Molecular consequence: missense variant.
Genome position (GRCh38, 1-based): chr16:68,828,208, G>T. VCF-style: chr16-68828208-G-T. GRCh37 (hg19) VCF-style: chr16-68862111-G-T.
Other names: c.2016G>T, p.Arg672Ser (NM_001317184.2); c.651G>T, p.Arg217Ser (NM_001317185.2); c.234G>T, p.Arg78Ser (NM_001317186.2); short protein forms R78S, R672S, R733S, R217S.
Identifiers: ClinVar variation 845304 (VCV000845304.10), dbSNP rs1555517637, ClinGen allele CA396469515.